The following is an entry in ClinVar:

ClinVar aggregate classification (germline): Conflicting classifications of pathogenicity. Review status: criteria provided, conflicting classifications (1 of 4 stars). 2 submissions from 2 submitters: Uncertain significance (1); Likely benign (1). Last evaluated 2024-06-11.

Conditions:
Dextro-looped transposition of the great arteries. Also called: Dextrotransposition of the great arteries. Identifiers: Orphanet 860, MedGen C3531771, MONDO:0019443, OMIM 608808, HP:0031348.
Inborn genetic diseases. Identifiers: MedGen C0950123, MeSH D030342.

Allele frequency attached by ClinVar (database versions not stated): gnomAD 0.00001; gnomAD exomes 0.00004.
gnomAD v4.1: 51 of 1,586,738 alleles (0.0032%); highest among the groups gnomAD compares: Non-Finnish European, 0.0042%; no homozygotes.

Submissions (2):

Ambry Genetics
Classification: Likely benign for Inborn genetic diseases. Last evaluated: 2024-06-11. Review status: criteria provided, single submitter. Criteria: Ambry Variant Classification Scheme 2023. Collection method: clinical testing. Allele origin: germline.

Labcorp Genetics (formerly Invitae), Labcorp
Classification: Uncertain significance for Dextro-looped transposition of the great arteries. Last evaluated: 2023-07-31. Review status: criteria provided, single submitter. Criteria: Invitae Variant Classification Sherloc (09022015). Collection method: clinical testing. Allele origin: germline.
Comment: This sequence change replaces asparagine, which is neutral and polar, with serine, which is neutral and polar, at codon 20 of the MED13L protein (p.Asn20Ser). The frequency data for this variant in the population databases is considered unreliable, as metrics indicate poor data quality at this position in the gnomAD database. This variant has not been reported in the literature in individuals affected with MED13L-related conditions. Advanced modeling of protein sequence and biophysical properties (such as structural, functional, and spatial information, amino acid conservation, physicochemical variation, residue mobility, and thermodynamic stability) has been performed at Invitae for this missense variant, however the output from this modeling did not meet the statistical confidence thresholds required to predict the impact of this variant on MED13L protein function. In summary, the available evidence is currently insufficient to determine the role of this variant in disease. Therefore, it has been classified as a Variant of Uncertain Significance.

NM_015335.5(MED13L):c.59A>G (p.Asn20Ser)

Gene: MED13L (mediator complex subunit 13L; minus strand). Cytogenetic location: 12q24.21.
Variant type: single nucleotide variant.
Coding change: c.59A>G on transcript NM_015335.5 (MANE Select); coding-DNA position 59, A replaced by G.
Protein change: p.Asn20Ser; replaces asparagine 20 with serine.
Molecular consequence: missense variant.
Genome position (GRCh38, 1-based): chr12:116,277,073, T>C on the plus strand (A>G on the coding strand, the complement: MED13L is on the minus strand). VCF-style: chr12-116277073-T-C. GRCh37 (hg19) VCF-style: chr12-116714878-T-C.
Other names: c.59A>G (NM_015335.4); short protein forms N20S.
Identifiers: ClinVar variation 2730837 (VCV002730837.4), dbSNP rs1034459470, ClinGen allele CA244936870.